The following is an entry in ClinVar:

ClinVar aggregate classification (germline): Uncertain significance (1 of 4 stars; one submission).

Allele frequency attached by ClinVar (database versions not stated): gnomAD 0.00001; TOPMed 0.00001.
gnomAD v4.1: 9 of 1,613,354 alleles (0.00056%); highest among the groups gnomAD compares: African/African-American, 0.004%; no homozygotes.

Submission:

Labcorp Genetics (formerly Invitae), Labcorp
Classification: Uncertain significance. Last evaluated: 2023-11-19. Review status: criteria provided, single submitter. Criteria: Invitae Variant Classification Sherloc (09022015). Collection method: clinical testing. Allele origin: germline.
Comment: This sequence change replaces arginine, which is basic and polar, with cysteine, which is neutral and slightly polar, at codon 778 of the COL7A1 protein (p.Arg778Cys). This variant is present in population databases (no rsID available, gnomAD 0.0009%). This variant has not been reported in the literature in individuals affected with COL7A1-related conditions. ClinVar contains an entry for this variant (Variation ID: 1907755). Advanced modeling of protein sequence and biophysical properties (such as structural, functional, and spatial information, amino acid conservation, physicochemical variation, residue mobility, and thermodynamic stability) performed at Invitae indicates that this missense variant is not expected to disrupt COL7A1 protein function with a negative predictive value of 95%. In summary, the available evidence is currently insufficient to determine the role of this variant in disease. Therefore, it has been classified as a Variant of Uncertain Significance.

NM_000094.4(COL7A1):c.2332C>T (p.Arg778Cys)

Gene: COL7A1 (collagen type VII alpha 1 chain; minus strand). Cytogenetic location: 3p21.31.
Variant type: single nucleotide variant.
Coding change: c.2332C>T on transcript NM_000094.4 (MANE Select); coding-DNA position 2332, C replaced by T.
Protein change: p.Arg778Cys; replaces arginine 778 with cysteine.
Molecular consequence: missense variant.
Genome position (GRCh38, 1-based): chr3:48,588,978, G>A on the plus strand (C>T on the coding strand, the complement: COL7A1 is on the minus strand). VCF-style: chr3-48588978-G-A. GRCh37 (hg19) VCF-style: chr3-48626411-G-A.
Other names: short protein forms R778C.
Identifiers: ClinVar variation 1907755 (VCV001907755.5), dbSNP rs1018322313, ClinGen allele CA73988117.